The following is an entry in ClinVar:

NM_000632.4(ITGAM):c.2615C>T (p.Pro872Leu)

Gene: ITGAM (integrin subunit alpha M; plus strand). Cytogenetic location: 16p11.2.
Variant type: single nucleotide variant.
Coding change: c.2615C>T on transcript NM_000632.4 (MANE Select); coding-DNA position 2615, C replaced by T.
Protein change: p.Pro872Leu; replaces proline 872 with leucine.
Molecular consequence: missense variant.
Genome position (GRCh38, 1-based): chr16:31,325,609, C>T. VCF-style: chr16-31325609-C-T. GRCh37 (hg19) VCF-style: chr16-31336930-C-T.
Other names: c.2618C>T, p.Pro873Leu (NM_001145808.2); short protein forms P872L, P873L.
Identifiers: ClinVar variation 3672790 (VCV003672790.2).

ClinVar aggregate classification (germline): Uncertain significance (1 of 4 stars; one submission).

gnomAD v4.1: 7 of 1,613,652 alleles (0.00043%); highest among the groups gnomAD compares: African/African-American, 0.0027%; no homozygotes.

Submission:

Labcorp Genetics (formerly Invitae), Labcorp
Classification: Uncertain significance. Last evaluated: 2026-01-28. Review status: criteria provided, single submitter. Criteria: Invitae Variant Classification Sherloc (09022015). Collection method: clinical testing. Allele origin: germline.
Comment: This sequence change replaces proline, which is neutral and non-polar, with leucine, which is neutral and non-polar, at codon 872 of the ITGAM protein (p.Pro872Leu). This variant is present in population databases (no rsID available, gnomAD 0.01%). This variant has not been reported in the literature in individuals affected with ITGAM-related conditions. ClinVar contains an entry for this variant (Variation ID: 3672790). An algorithm developed to predict the effect of missense changes on protein structure and function (PolyPhen-2) suggests that this variant is likely to be tolerated. In summary, the available evidence is currently insufficient to determine the role of this variant in disease. Therefore, it has been classified as a Variant of Uncertain Significance.